The following is an entry in ClinVar:

ClinVar aggregate classification (germline): Uncertain significance (1 of 4 stars; one submission).

Conditions:
Hereditary cancer-predisposing syndrome. Also called: Neoplastic Syndromes, Hereditary; Tumor predisposition; Hereditary Cancer Syndrome; Hereditary neoplastic syndrome. Identifiers: Orphanet 140162, MedGen C0027672, MeSH D009386, MONDO:0015356.

Submission:

Ambry Genetics
Classification: Uncertain significance for Hereditary cancer-predisposing syndrome. Last evaluated: 2025-11-15. Review status: criteria provided, single submitter. Criteria: Ambry Variant Classification Scheme 2023. Collection method: clinical testing. Allele origin: germline.
Comment: The p.N618S variant (also known as c.1853A>G), located in coding exon 15 of the POT1 gene, results from an A to G substitution at nucleotide position 1853. The asparagine at codon 618 is replaced by serine, an amino acid with highly similar properties. This amino acid position is conserved. In addition, this alteration is predicted to be tolerated by in silico analysis. Based on the available evidence, the clinical significance of this variant remains unclear.

NM_015450.3(POT1):c.1853A>G (p.Asn618Ser)

Gene: POT1 (protection of telomeres 1; minus strand). Cytogenetic location: 7q31.33.
Variant type: single nucleotide variant.
Coding change: c.1853A>G on transcript NM_015450.3 (MANE Select); coding-DNA position 1853, A replaced by G.
Protein change: p.Asn618Ser; replaces asparagine 618 with serine.
Molecular consequence: missense variant. On other transcripts: non-coding transcript variant (3).
Genome position (GRCh38, 1-based): chr7:124,824,014, T>C on the plus strand (A>G on the coding strand, the complement: POT1 is on the minus strand). VCF-style: chr7-124824014-T-C. GRCh37 (hg19) VCF-style: chr7-124464068-T-C.
Other names: c.1460A>G, p.Asn487Ser (NM_001042594.2); short protein forms N487S, N618S.
Identifiers: ClinVar variation 4673823 (VCV004673823.1).